The following is an entry in ClinVar:

NM_015693.4(INTU):c.1816G>A (p.Glu606Lys)

Gene: INTU (inturned planar cell polarity protein; plus strand). Cytogenetic location: 4q28.1.
Variant type: single nucleotide variant.
Coding change: c.1816G>A on transcript NM_015693.4 (MANE Select); coding-DNA position 1816, G replaced by A.
Protein change: p.Glu606Lys; replaces glutamic acid 606 with lysine.
Molecular consequence: missense variant.
Genome position (GRCh38, 1-based): chr4:127,706,514, G>A. VCF-style: chr4-127706514-G-A. GRCh37 (hg19) VCF-style: chr4-128627669-G-A.
Other names: short protein forms E606K.
Identifiers: ClinVar variation 2837605 (VCV002837605.3), dbSNP rs2531028925, ClinGen allele CA358136892.

ClinVar aggregate classification (germline): Uncertain significance (1 of 4 stars; one submission).

Submission:

Labcorp Genetics (formerly Invitae), Labcorp
Classification: Uncertain significance. Last evaluated: 2023-02-14. Review status: criteria provided, single submitter. Criteria: Invitae Variant Classification Sherloc (09022015). Collection method: clinical testing. Allele origin: germline.
Comment: In summary, the available evidence is currently insufficient to determine the role of this variant in disease. Therefore, it has been classified as a Variant of Uncertain Significance. Advanced modeling of protein sequence and biophysical properties (such as structural, functional, and spatial information, amino acid conservation, physicochemical variation, residue mobility, and thermodynamic stability) performed at Invitae indicates that this missense variant is expected to disrupt INTU protein function. This variant is not present in population databases (gnomAD no frequency). This sequence change replaces glutamic acid, which is acidic and polar, with lysine, which is basic and polar, at codon 606 of the INTU protein (p.Glu606Lys). This variant has not been reported in the literature in individuals affected with INTU-related conditions.